The following is an entry in ClinVar:

ClinVar aggregate classification (germline): Uncertain significance (1 of 4 stars; one submission).

gnomAD v4.1: 2 of 1,613,806 alleles (0.00012%); highest among the groups gnomAD compares: South Asian, 0.0022%; no homozygotes.

Submission:

Labcorp Genetics (formerly Invitae), Labcorp
Classification: Uncertain significance. Last evaluated: 2022-07-05. Review status: criteria provided, single submitter. Criteria: Invitae Variant Classification Sherloc (09022015). Collection method: clinical testing. Allele origin: germline.
Comment: This variant is not present in population databases (gnomAD no frequency). This sequence change falls in intron 38 of the COL7A1 gene. It does not directly change the encoded amino acid sequence of the COL7A1 protein. This variant has not been reported in the literature in individuals affected with COL7A1-related conditions. In summary, the available evidence is currently insufficient to determine the role of this variant in disease. Therefore, it has been classified as a Variant of Uncertain Significance. Algorithms developed to predict the effect of sequence changes on RNA splicing suggest that this variant may create or strengthen a splice site.

NM_000094.4(COL7A1):c.4279-15C>G

Gene: COL7A1 (collagen type VII alpha 1 chain; minus strand). Cytogenetic location: 3p21.31.
Variant type: single nucleotide variant.
Coding change: c.4279-15C>G on transcript NM_000094.4 (MANE Select); 15 bases into the intron before coding-DNA position 4279, C replaced by G.
Molecular consequence: intron variant.
Genome position (GRCh38, 1-based): chr3:48,583,795, G>C on the plus strand (C>G on the coding strand, the complement: COL7A1 is on the minus strand). VCF-style: chr3-48583795-G-C. GRCh37 (hg19) VCF-style: chr3-48621228-G-C.
Identifiers: ClinVar variation 1951703 (VCV001951703.5), dbSNP rs2531152608, ClinGen allele CA2580070070.